The following is an entry in ClinVar:

ClinVar aggregate classification (germline): Uncertain significance (1 of 4 stars; one submission).

Allele frequency attached by ClinVar (database versions not stated): gnomAD 0.00001; TOPMed 0.00001.

Submission:

Labcorp Genetics (formerly Invitae), Labcorp
Classification: Uncertain significance. Last evaluated: 2023-04-13. Review status: criteria provided, single submitter. Criteria: Invitae Variant Classification Sherloc (09022015). Collection method: clinical testing. Allele origin: germline.
Comment: In summary, the available evidence is currently insufficient to determine the role of this variant in disease. Therefore, it has been classified as a Variant of Uncertain Significance. This sequence change replaces alanine, which is neutral and non-polar, with aspartic acid, which is acidic and polar, at codon 727 of the KCNH1 protein (p.Ala727Asp). This variant is present in population databases (no rsID available, gnomAD 0.004%). This variant has not been reported in the literature in individuals affected with KCNH1-related conditions. Advanced modeling of protein sequence and biophysical properties (such as structural, functional, and spatial information, amino acid conservation, physicochemical variation, residue mobility, and thermodynamic stability) performed at Invitae indicates that this missense variant is not expected to disrupt KCNH1 protein function.

NM_172362.3(KCNH1):c.2180C>A (p.Ala727Asp)

Gene: KCNH1 (potassium voltage-gated channel subfamily H member 1; minus strand). Cytogenetic location: 1q32.2.
Variant type: single nucleotide variant.
Coding change: c.2180C>A on transcript NM_172362.3 (MANE Select); coding-DNA position 2180, C replaced by A.
Protein change: p.Ala727Asp; replaces alanine 727 with aspartic acid.
Molecular consequence: missense variant.
Genome position (GRCh38, 1-based): chr1:210,684,071, G>T on the plus strand (C>A on the coding strand, the complement: KCNH1 is on the minus strand). VCF-style: chr1-210684071-G-T. GRCh37 (hg19) VCF-style: chr1-210857413-G-T.
Other names: c.2099C>A, p.Ala700Asp (NM_002238.4); short protein forms A700D, A727D.
Identifiers: ClinVar variation 2845150 (VCV002845150.3), dbSNP rs1180165310, ClinGen allele CA344871703.